The following is an entry in ClinVar:

NM_001080414.4(CCDC88C):c.3865G>A (p.Ala1289Thr)

Gene: CCDC88C (coiled-coil domain containing 88C; minus strand). Cytogenetic location: 14q32.11.
Variant type: single nucleotide variant.
Coding change: c.3865G>A on transcript NM_001080414.4 (MANE Select); coding-DNA position 3865, G replaced by A.
Protein change: p.Ala1289Thr; replaces alanine 1289 with threonine.
Molecular consequence: missense variant.
Genome position (GRCh38, 1-based): chr14:91,297,406, C>T on the plus strand (G>A on the coding strand, the complement: CCDC88C is on the minus strand). VCF-style: chr14-91297406-C-T. GRCh37 (hg19) VCF-style: chr14-91763750-C-T.
Other names: c.3865G>A (NM_001080414.3); short protein forms A1289T.
Identifiers: ClinVar variation 2191271 (VCV002191271.2), dbSNP rs773989266, ClinGen allele CA7309198.
Genomic context (GRCh38, chr14:91,297,406, plus strand): 5'-TCTGGTGCTGCTCCTTCAGCTCGTCGAAGCGGGCCTGCCAGCGGTTGAGCTCCAGCTGCG[C>T]GTTGTTCAGTGAGGTTTTCAGCTCCTTGGTGTGGGCGTGCAGCTCCTCGTACTCCCCCTT-3'
Protein context (NP_001073883.2, residues 1279-1299): TKELKTSLNN[Ala1289Thr]QLELNRWQAR

ClinVar aggregate classification (germline): Uncertain significance. Review status: criteria provided, multiple submitters, no conflicts (2 of 4 stars). 2 submissions from 2 submitters: Uncertain significance (2). Last evaluated 2022-04-19.

Conditions:
Inborn genetic diseases. Identifiers: MedGen C0950123, MeSH D030342.

Allele frequency attached by ClinVar (database versions not stated): gnomAD 0.00001; gnomAD exomes 0.00003; ExAC 0.00004.
gnomAD v4.1: 38 of 1,611,350 alleles (0.0024%); highest among the groups gnomAD compares: Middle Eastern, 0.016%; no homozygotes.

Submissions (2):

Labcorp Genetics (formerly Invitae), Labcorp
Classification: Uncertain significance. Last evaluated: 2022-04-19. Review status: criteria provided, single submitter. Criteria: Invitae Variant Classification Sherloc (09022015). Collection method: clinical testing. Allele origin: germline.
Comment: This sequence change replaces alanine, which is neutral and non-polar, with threonine, which is neutral and polar, at codon 1289 of the CCDC88C protein (p.Ala1289Thr). This variant is present in population databases (rs773989266, gnomAD 0.007%). This variant has not been reported in the literature in individuals affected with CCDC88C-related conditions. Algorithms developed to predict the effect of missense changes on protein structure and function (SIFT, PolyPhen-2, Align-GVGD) all suggest that this variant is likely to be tolerated. In summary, the available evidence is currently insufficient to determine the role of this variant in disease. Therefore, it has been classified as a Variant of Uncertain Significance.

Ambry Genetics
Classification: Uncertain significance for Inborn genetic diseases. Last evaluated: 2022-01-26. Review status: criteria provided, single submitter. Criteria: Ambry Variant Classification Scheme 2023. Collection method: clinical testing. Allele origin: germline.